The following is an entry in ClinVar:

NM_000138.5(FBN1):c.8179G>A (p.Gly2727Ser)

Gene: FBN1 (fibrillin 1; minus strand). Cytogenetic location: 15q21.1.
Variant type: single nucleotide variant.
Coding change: c.8179G>A on transcript NM_000138.5 (MANE Select); coding-DNA position 8179, G replaced by A.
Protein change: p.Gly2727Ser; replaces glycine 2727 with serine.
Molecular consequence: missense variant.
Genome position (GRCh38, 1-based): chr15:48,412,616, C>T on the plus strand (G>A on the coding strand, the complement: FBN1 is on the minus strand). VCF-style: chr15-48412616-C-T. GRCh37 (hg19) VCF-style: chr15-48704813-C-T.
Other names: p.Gly2727Ser; short protein forms G2727S.
Identifiers: ClinVar variation 498253 (VCV000498253.30), dbSNP rs758748297, ClinGen allele CA059731.

ClinVar aggregate classification (germline): Uncertain significance. Review status: criteria provided, multiple submitters, no conflicts (2 of 4 stars). 10 submissions from 10 submitters: Uncertain significance (10). Last evaluated 2025-12-24.

Conditions:
MASS syndrome (OCTD). Also called: OVERLAP CONNECTIVE TISSUE DISEASE; MASS PHENOTYPE. Identifiers: MedGen C1858556, MONDO:0011431, OMIM 604308.
Progeroid and marfanoid aspect-lipodystrophy syndrome. Also called: MARFANOID-PROGEROID SYNDROME; MARFAN-PROGEROID-LIPODYSTROPHY SYNDROME; Marfan lipodystrophy syndrome; MARFANOID-PROGEROID-LIPODYSTROPHY SYNDROME. Identifiers: Orphanet 300382, MedGen C4310796, MONDO:0014831, OMIM 616914.
Ectopia lentis 1, isolated, autosomal dominant (ECTOL1). Identifiers: Orphanet 1885, MedGen C3541518, MONDO:0007514, OMIM 129600.
Weill-Marchesani syndrome 2, dominant. Also called: Weill-Marchesani Syndrome, Autosomal Dominant; FBN1-Related Weill-Marchesani Syndrome. Identifiers: Orphanet 2084, MedGen C1869115, MONDO:0012013, OMIM 608328.
Acromicric dysplasia (ACMICD). Also called: Acromicric skeletal dysplasia. Identifiers: Orphanet 969, MedGen C0265287, MONDO:0007055, OMIM 102370.
Geleophysic dysplasia 2 (GPHYSD2). Identifiers: Orphanet 2623, MedGen C3280054, MONDO:0013612, OMIM 614185.
Stiff skin syndrome (SSKS). Identifiers: Orphanet 2833, MedGen C1861456, MONDO:0008492, OMIM 184900.
Marfan syndrome (MFS). Also called: Marfan syndrome type 1; Marfan syndrome, classic; Marfan's syndrome; FBN1-Related Marfan Syndrome; MARFAN SYNDROME, TYPE I. Identifiers: Orphanet 284963, Orphanet 558, MedGen C0024796, MONDO:0007947, OMIM 154700.
Familial thoracic aortic aneurysm and aortic dissection (TAAD). Also called: Thoracic aortic aneurysms and dissections. Identifiers: Orphanet 91387, MedGen C4707243, MONDO:0019625.

Allele frequency attached by ClinVar (database versions not stated): gnomAD 0.00003 and 0.00004; TOPMed 0.00002; ExAC 0.00003; gnomAD exomes 0.00002 and 0.00005.
gnomAD v4.1: 82 of 1,614,084 alleles (0.0051%); highest among the groups gnomAD compares: Non-Finnish European, 0.0068%; no homozygotes.

Submissions (10):

Labcorp Genetics (formerly Invitae), Labcorp
Classification: Uncertain significance for Marfan syndrome; Familial thoracic aortic aneurysm and aortic dissection. Last evaluated: 2025-12-24. Review status: criteria provided, single submitter. Criteria: Invitae Variant Classification Sherloc (09022015). Collection method: clinical testing. Allele origin: germline.
Comment: This sequence change replaces glycine, which is neutral and non-polar, with serine, which is neutral and polar, at codon 2727 of the FBN1 protein (p.Gly2727Ser). This variant is present in population databases (rs758748297, gnomAD 0.004%). This variant has not been reported in the literature in individuals affected with FBN1-related conditions. ClinVar contains an entry for this variant (Variation ID: 498253). Invitae Evidence Modeling of protein sequence and biophysical properties (such as structural, functional, and spatial information, amino acid conservation, physicochemical variation, residue mobility, and thermodynamic stability) has been performed for this missense variant. However, the output from this modeling did not meet the statistical confidence thresholds required to predict the impact of this variant on FBN1 protein function. In summary, the available evidence is currently insufficient to determine the role of this variant in disease. Therefore, it has been classified as a Variant of Uncertain Significance.

Ambry Genetics
Classification: Uncertain significance for Familial thoracic aortic aneurysm and aortic dissection. Last evaluated: 2025-12-19. Review status: criteria provided, single submitter. Criteria: Ambry Variant Classification Scheme 2023. Collection method: clinical testing. Allele origin: germline.
Comment: The p.G2727S variant (also known as c.8179G>A), located in coding exon 64 of the FBN1 gene, results from a G to A substitution at nucleotide position 8179. The glycine at codon 2727 is replaced by serine, an amino acid with similar properties, and is located in the fibulin-like C-terminal domain. This amino acid position is highly conserved in available vertebrate species. In addition, the in silico prediction for this alteration is inconclusive. Since supporting evidence is limited at this time, the clinical significance of this alteration remains unclear.

Mayo Clinic Laboratories, Mayo Clinic
Classification: Uncertain significance. Last evaluated: 2025-01-18. Review status: criteria provided, single submitter. Criteria: ACMG Guidelines, 2015. Collection method: clinical testing. Allele origin: germline. Observed: 1 variant allele.
Comment: BS1, PP2

GeneDx
Classification: Uncertain significance. Last evaluated: 2024-12-11. Review status: criteria provided, single submitter. Criteria: GeneDx Variant Classification Process June 2021. Collection method: clinical testing. Allele origin: germline.
Comment: In silico analysis indicates that this missense variant does not alter protein structure/function; Has not been previously published as pathogenic or benign to our knowledge; Does not affect a cysteine residue within a calcium-binding EGF-like domain or a TGF-binding protein domain of the FBN1 gene; cysteine substitutions in the calcium-binding EGF-like domains represent the majority of pathogenic missense changes associated with FBN1-related disorders (PMID: 12938084); This variant is associated with the following publications: (PMID: 12938084)

All of Us Research Program, National Institutes of Health
Classification: Uncertain significance for Marfan syndrome. Last evaluated: 2024-08-06. Review status: criteria provided, single submitter. Criteria: ACMG Guidelines, 2015. Collection method: clinical testing. Allele origin: germline. Inheritance: Autosomal dominant inheritance. Observed: 6 variant alleles, 6 heterozygotes.
Comment: This missense variant replaces glycine with serine at codon 2727 of the FBN1 protein. Computational prediction is inconclusive regarding the impact of this variant on protein structure and function (internally defined REVEL score threshold 0.5 < inconclusive < 0.7, PMID: 27666373). To our knowledge, functional studies have not been reported for this variant. This variant has not been reported in individuals affected with cardiovascular disorders in the literature. This variant has been identified in 6/282864 chromosomes in the general population by the Genome Aggregation Database (gnomAD). The available evidence is insufficient to determine the role of this variant in disease conclusively. Therefore, this variant is classified as a Variant of Uncertain Significance.

This study involves interpretation of variants in research participants for the purpose of population health screening. Participant phenotype was not available at the time of variant classification. Additional details can be found in publication PMID: 35346344, PMCID: PMC8962531

Fulgent Genetics
Classification: Uncertain significance for Acromicric dysplasia; Ectopia lentis 1, isolated, autosomal dominant; Marfan syndrome; Stiff skin syndrome; MASS syndrome; Weill-Marchesani syndrome 2, dominant; Geleophysic dysplasia 2; Progeroid and marfanoid aspect-lipodystrophy syndrome. Last evaluated: 2024-06-04. Review status: criteria provided, single submitter. Criteria: ACMG Guidelines, 2015. Collection method: clinical testing. Allele origin: germline.

Color Diagnostics, LLC DBA Color Health
Classification: Uncertain significance for Familial thoracic aortic aneurysm and aortic dissection. Last evaluated: 2024-03-06. Review status: criteria provided, single submitter. Criteria: ACMG Guidelines, 2015. Collection method: clinical testing. Allele origin: germline.
Comment: This missense variant replaces glycine with serine at codon 2727 of the FBN1 protein. Computational prediction is inconclusive regarding the impact of this variant on protein structure and function (internally defined REVEL score threshold 0.5 < inconclusive < 0.7, PMID: 27666373). To our knowledge, functional studies have not been reported for this variant. This variant has not been reported in individuals affected with FBN1-related disorders in the literature. This variant has been identified in 6/282864 chromosomes in the general population by the Genome Aggregation Database (gnomAD). The available evidence is insufficient to determine the role of this variant in disease conclusively. Therefore, this variant is classified as a Variant of Uncertain Significance.

Women's Health and Genetics/Laboratory Corporation of America, LabCorp
Classification: Uncertain significance. Last evaluated: 2023-12-27. Review status: criteria provided, single submitter. Criteria: LabCorp Variant Classification Summary - May 2015. Collection method: clinical testing. Allele origin: germline.
Comment: Variant summary: FBN1 c.8179G>A (p.Gly2727Ser) results in a non-conservative amino acid change in the encoded protein sequence. Three of five in-silico tools predict a damaging effect of the variant on protein function. The variant allele was found at a frequency of 2e-05 in 251464 control chromosomes (gnomAD). The available data on variant occurrences in the general population are insufficient to allow any conclusion about variant significance. To our knowledge, no occurrence of c.8179G>A in individuals affected with Aortopathy and no experimental evidence demonstrating its impact on protein function have been reported. Seven submitters have cited clinical-significance assessments for this variant to ClinVar after 2014. All submitters classified the variant as uncertain significance. Based on the evidence outlined above, the variant was classified as uncertain significance.

CHEO Genetics Diagnostic Laboratory, Children's Hospital of Eastern Ontario
Classification: Uncertain significance for Familial thoracic aortic aneurysm and aortic dissection. Last evaluated: 2021-01-22. Review status: criteria provided, single submitter. Criteria: ACMG Guidelines, 2015. Collection method: clinical testing. Allele origin: germline.

Eurofins Ntd Llc (ga)
Classification: Uncertain significance. Last evaluated: 2016-11-22. Review status: criteria provided, single submitter. Criteria: EGL Classification Definitions 2015. Collection method: clinical testing. Allele origin: germline. Observed: 2 variant alleles, 2 heterozygotes.